The following is an entry in ClinVar:

NM_031407.7(HUWE1):c.9841A>C (p.Asn3281His)

Gene: HUWE1 (HECT, UBA and WWE domain containing E3 ubiquitin protein ligase 1; minus strand). Cytogenetic location: Xp11.22.
Variant type: single nucleotide variant.
Coding change: c.9841A>C on transcript NM_031407.7 (MANE Select); coding-DNA position 9841, A replaced by C.
Protein change: p.Asn3281His; replaces asparagine 3281 with histidine.
Molecular consequence: missense variant.
Genome position (GRCh38, 1-based): chrX:53,549,153, T>G on the plus strand (A>C on the coding strand, the complement: HUWE1 is on the minus strand). VCF-style: chrX-53549153-T-G. GRCh37 (hg19) VCF-style: chrX-53576114-T-G.
Other names: c.9838A>C, p.Asn3280His (NM_001441048.1, NM_001441051.1, NM_001441053.1 and 2 more transcripts); c.9841A>C, p.Asn3281His (NM_001441049.1, NM_001441054.1, NM_001441057.1); c.9862A>C, p.Asn3288His (NM_001441050.1, NM_001441055.1); c.9439A>C, p.Asn3147His (NM_001441052.1); short protein forms N3288H, N3147H, N3280H, N3281H.
Identifiers: ClinVar variation 4697908 (VCV004697908.1).

ClinVar aggregate classification (germline): Uncertain significance (1 of 4 stars; one submission).

Submission:

Labcorp Genetics (formerly Invitae), Labcorp
Classification: Uncertain significance. Last evaluated: 2025-06-17. Review status: criteria provided, single submitter. Criteria: Invitae Variant Classification Sherloc (09022015). Collection method: clinical testing. Allele origin: germline.
Comment: This sequence change replaces asparagine, which is neutral and polar, with histidine, which is basic and polar, at codon 3281 of the HUWE1 protein (p.Asn3281His). This variant is not present in population databases (gnomAD no frequency). This variant has not been reported in the literature in individuals affected with HUWE1-related conditions. Invitae Evidence Modeling of protein sequence and biophysical properties (such as structural, functional, and spatial information, amino acid conservation, physicochemical variation, residue mobility, and thermodynamic stability) has been performed for this missense variant. However, the output from this modeling did not meet the statistical confidence thresholds required to predict the impact of this variant on HUWE1 protein function. In summary, the available evidence is currently insufficient to determine the role of this variant in disease. Therefore, it has been classified as a Variant of Uncertain Significance.